The following is an entry in ClinVar:

ClinVar aggregate classification (germline): Uncertain significance. Review status: criteria provided, multiple submitters, no conflicts (2 of 4 stars). 3 submissions from 3 submitters: Uncertain significance (3). Last evaluated 2024-11-19.

Conditions:
Primary ciliary dyskinesia. Also called: Ciliary dyskinesia. Identifiers: Orphanet 244, MedGen C0008780, MONDO:0016575, HP:0012265.
Primary ciliary dyskinesia 20. Also called: CILIARY DYSKINESIA, PRIMARY, 20, WITH OR WITHOUT SITUS INVERSUS. Identifiers: Orphanet 244, MedGen C3540844, MONDO:0014030, OMIM 615067.

Allele frequency attached by ClinVar (database versions not stated): ESP Exome Variant Server 0.00008; ExAC 0.00011; TOPMed 0.00015; gnomAD exomes 0.00016 and 0.00017.
gnomAD v4.1: 257 of 1,613,336 alleles (0.016%); highest among the groups gnomAD compares: Admixed American, 0.05%; no homozygotes.

Submissions (3):

Blueprint Genetics
Classification: Uncertain significance. Last evaluated: 2024-11-19. Review status: criteria provided, single submitter. Criteria: ACMG Guidelines, 2015. Collection method: clinical testing. Allele origin: germline.

Labcorp Genetics (formerly Invitae), Labcorp
Classification: Uncertain significance for Primary ciliary dyskinesia. Last evaluated: 2022-06-20. Review status: criteria provided, single submitter. Criteria: Invitae Variant Classification Sherloc (09022015). Collection method: clinical testing. Allele origin: germline.
Comment: This sequence change replaces glutamic acid, which is acidic and polar, with lysine, which is basic and polar, at codon 294 of the CCDC114 protein (p.Glu294Lys). This variant is present in population databases (rs142193030, gnomAD 0.03%). In summary, the available evidence is currently insufficient to determine the role of this variant in disease. Therefore, it has been classified as a Variant of Uncertain Significance. Algorithms developed to predict the effect of sequence changes on RNA splicing suggest that this variant may create or strengthen a splice site. Algorithms developed to predict the effect of missense changes on protein structure and function are either unavailable or do not agree on the potential impact of this missense change (SIFT: "Deleterious"; PolyPhen-2: "Probably Damaging"; Align-GVGD: "Class C0"). ClinVar contains an entry for this variant (Variation ID: 953164). This variant has not been reported in the literature in individuals affected with CCDC114-related conditions.

Fulgent Genetics
Classification: Uncertain significance for Primary ciliary dyskinesia 20. Last evaluated: 2021-07-23. Review status: criteria provided, single submitter. Criteria: ACMG Guidelines, 2015. Collection method: clinical testing. Allele origin: unknown.

NM_001364171.2(ODAD1):c.991G>A (p.Glu331Lys)

Gene: ODAD1 (outer dynein arm docking complex subunit 1; minus strand). Cytogenetic location: 19q13.33.
Variant type: single nucleotide variant.
Coding change: c.991G>A on transcript NM_001364171.2 (MANE Select); coding-DNA position 991, G replaced by A.
Protein change: p.Glu331Lys; replaces glutamic acid 331 with lysine.
Molecular consequence: missense variant.
Genome position (GRCh38, 1-based): chr19:48,303,093, C>T on the plus strand (G>A on the coding strand, the complement: ODAD1 is on the minus strand). VCF-style: chr19-48303093-C-T. GRCh37 (hg19) VCF-style: chr19-48806350-C-T.
Other names: c.880G>A, p.Glu294Lys (NM_144577.4); short protein forms E294K, E331K.
Identifiers: ClinVar variation 953164 (VCV000953164.8), dbSNP rs142193030, ClinGen allele CA9548869.
Genomic context (GRCh38, chr19:48,303,093, plus strand): 5'-CATGCTCCAGCTCCAAGTTCTGCTCGTTGATGAAGTTGAACTCAGCAAAGTTGCGCTCCT[C>T]GACTGGGAGAGTTGGGCAAGGCGGGGCCCAGAGAGAGGGAGACAGAGAAACAGAGACAGA-3'
Protein context (NP_001351100.1, residues 321-341): DLLVQKYLEI[Glu331Lys]ERNFAEFNFI